The following is an entry in ClinVar:

ClinVar aggregate classification (germline): Likely benign. Review status: criteria provided, multiple submitters, no conflicts (2 of 4 stars). 5 submissions from 5 submitters: Likely benign (2). 3 of the submissions do not count toward it. Last evaluated 2025-07-01.

Conditions:
EMILIN1-related disorder. Also called: EMILIN1-related condition.

Allele frequency attached by ClinVar (database versions not stated): 1000 Genomes Project 0.00160; 1000 Genomes Project 30x 0.00172; ESP Exome Variant Server 0.00208; gnomAD 0.00218 and 0.00222; TOPMed 0.00223; gnomAD exomes 0.00257 and 0.00339; ExAC 0.00260.
gnomAD v4.1: 5,251 of 1,614,144 alleles (0.33%); highest among the groups gnomAD compares: Non-Finnish European, 0.37%; 9 homozygotes.

Submissions (17):

CeGaT Center for Human Genetics Tuebingen
Classification: Likely benign. Last evaluated: 2025-07-01. Review status: criteria provided, single submitter. Criteria: CeGaT Center For Human Genetics Tuebingen Variant Classification Criteria Version 2. Collection method: clinical testing. Allele origin: germline. Affected: yes. Observed: 2 variant alleles.
Comment: EMILIN1: BP4, BS1

Blueprint Genetics
Classification: Likely benign. Last evaluated: 2024-11-21. Review status: criteria provided, single submitter. Criteria: ACMG Guidelines, 2015. Collection method: clinical testing. Allele origin: germline.

PreventionGenetics, part of Exact Sciences
Classification: Likely benign for EMILIN1-related condition. Last evaluated: 2020-04-24. Review status: no assertion criteria provided. Collection method: clinical testing. Allele origin: germline. Not counted in ClinVar's aggregate classification.
Comment: This variant is classified as likely benign based on ACMG/AMP sequence variant interpretation guidelines (Richards et al. 2015 PMID: 25741868, with internal and published modifications).

Clinical Genetics, Academic Medical Center
Classification: Likely benign. Review status: no assertion criteria provided. Collection method: clinical testing. Allele origin: germline. Affected: yes. Study: VKGL Data-share Consensus. Not counted in ClinVar's aggregate classification.

Dr. Peter K. Rogan Lab, Western University
No classification provided (evidence only). Condition: Lung cancer. Review status: no classification provided. Collection method: in vitro. Allele origin: not applicable. Functional consequence: retained intron. Not counted in ClinVar's aggregate classification.

Dr. Peter K. Rogan Lab, Western University
No classification provided (evidence only). Condition: Familial cancer of breast. Review status: no classification provided. Collection method: in vitro. Allele origin: not applicable. Functional consequence: retained intron. Not counted in ClinVar's aggregate classification.

Dr. Peter K. Rogan Lab, Western University
No classification provided (evidence only). Condition: Familial cancer of breast. Review status: no classification provided. Collection method: in vitro. Allele origin: not applicable. Functional consequence: retained intron. Not counted in ClinVar's aggregate classification.

Dr. Peter K. Rogan Lab, Western University
No classification provided (evidence only). Condition: Acute myeloid leukemia. Review status: no classification provided. Collection method: in vitro. Allele origin: not applicable. Functional consequence: skipped exon, retained intron. Not counted in ClinVar's aggregate classification.

Dr. Peter K. Rogan Lab, Western University
No classification provided (evidence only). Condition: Cervical cancer. Review status: no classification provided. Collection method: in vitro. Allele origin: not applicable. Functional consequence: retained intron. Not counted in ClinVar's aggregate classification.

Dr. Peter K. Rogan Lab, Western University
No classification provided (evidence only). Condition: Cervical cancer. Review status: no classification provided. Collection method: in vitro. Allele origin: not applicable. Functional consequence: retained intron. Not counted in ClinVar's aggregate classification.

Dr. Peter K. Rogan Lab, Western University
No classification provided (evidence only). Condition: Cholangiocarcinoma. Review status: no classification provided. Collection method: in vitro. Allele origin: not applicable. Functional consequence: retained intron. Not counted in ClinVar's aggregate classification.

Dr. Peter K. Rogan Lab, Western University
No classification provided (evidence only). Condition: Ovarian serous cystadenocarcinoma. Review status: no classification provided. Collection method: in vitro. Allele origin: not applicable. Functional consequence: retained intron. Not counted in ClinVar's aggregate classification.

Dr. Peter K. Rogan Lab, Western University
No classification provided (evidence only). Condition: Malignant tumor of esophagus. Review status: no classification provided. Collection method: in vitro. Allele origin: not applicable. Functional consequence: retained intron. Not counted in ClinVar's aggregate classification.

Dr. Peter K. Rogan Lab, Western University
No classification provided (evidence only). Condition: Nonpapillary renal cell carcinoma. Review status: no classification provided. Collection method: in vitro. Allele origin: not applicable. Functional consequence: retained intron. Not counted in ClinVar's aggregate classification.

Dr. Peter K. Rogan Lab, Western University
No classification provided (evidence only). Condition: Lymphoma. Review status: no classification provided. Collection method: in vitro. Allele origin: not applicable. Functional consequence: retained intron. Not counted in ClinVar's aggregate classification.

Dr. Peter K. Rogan Lab, Western University
No classification provided (evidence only). Condition: Lymphoma. Review status: no classification provided. Collection method: in vitro. Allele origin: not applicable. Functional consequence: retained intron. Not counted in ClinVar's aggregate classification.

Genome Diagnostics Laboratory, University Medical Center Utrecht
Classification: Likely benign. Review status: no assertion criteria provided. Collection method: clinical testing. Allele origin: germline. Affected: yes. Study: VKGL Data-share Consensus. Not counted in ClinVar's aggregate classification.

NM_007046.4(EMILIN1):c.2576-8C>A

Gene: EMILIN1 (elastin microfibril interfacer 1; plus strand). Cytogenetic location: 2p23.3.
Variant type: single nucleotide variant.
Coding change: c.2576-8C>A on transcript NM_007046.4 (MANE Select); 8 bases into the intron before coding-DNA position 2576, C replaced by A.
Molecular consequence: intron variant.
Genome position (GRCh38, 1-based): chr2:27,085,152, C>A. VCF-style: chr2-27085152-C-A. GRCh37 (hg19) VCF-style: chr2-27308020-C-A.
Other names: NC_000002.11:g.27308020C>A; c.2576-8C>A (NM_007046.3).
Identifiers: ClinVar variation 1284284 (VCV001284284.29), dbSNP rs150596062, ClinGen allele CA1568980.